The following is an entry in ClinVar:

ClinVar aggregate classification (germline): Likely pathogenic (1 of 4 stars; one submission).

Conditions:
Neuropathy, hereditary sensory and autonomic, type 2A (HSAN2A). Also called: MORVAN DISEASE; NEUROPATHY, CONGENITAL SENSORY; NEUROPATHY, HEREDITARY SENSORY RADICULAR, AUTOSOMAL RECESSIVE; NEUROPATHY, HEREDITARY SENSORY, TYPE IIA; NEUROPATHY, PROGRESSIVE SENSORY, OF CHILDREN; ACROOSTEOLYSIS, GIACCAI TYPE. Identifiers: Orphanet 970, MedGen C2752089, MONDO:0024309, OMIM 201300.
Generalized epilepsy with febrile seizures plus, type 7 (GEFSP7). Also called: GEFS+, TYPE 7. Identifiers: Orphanet 36387, MedGen C2751778, MONDO:0013470, OMIM 613863.

Submission:

Labcorp Genetics (formerly Invitae), Labcorp
Classification: Likely pathogenic for Neuropathy, hereditary sensory and autonomic, type 2A; Generalized epilepsy with febrile seizures plus, type 7. Last evaluated: 2024-10-21. Review status: criteria provided, single submitter. Criteria: Invitae Variant Classification Sherloc (09022015). Collection method: clinical testing. Allele origin: germline.
Comment: This sequence change affects a donor splice site in intron 2 of the SCN9A gene. It is expected to disrupt RNA splicing. Variants that disrupt the donor or acceptor splice site typically lead to a loss of protein function (PMID: 16199547), and loss-of-function variants in SCN9A are known to be pathogenic (PMID: 17470132, 19304393). This variant is not present in population databases (gnomAD no frequency). This variant has not been reported in the literature in individuals affected with SCN9A-related conditions. Algorithms developed to predict the effect of sequence changes on RNA splicing suggest that this variant may disrupt the consensus splice site. In summary, the currently available evidence indicates that the variant is pathogenic, but additional data are needed to prove that conclusively. Therefore, this variant has been classified as Likely Pathogenic.

Literature cited by the submitters: PubMed 16199547; PubMed 17470132; PubMed 19304393.

NM_001365536.1(SCN9A):c.258+1G>T

Gene: SCN9A (sodium voltage-gated channel alpha subunit 9; minus strand). Cytogenetic location: 2q24.3.
Variant type: single nucleotide variant.
Coding change: c.258+1G>T on transcript NM_001365536.1 (MANE Select); the canonical splice donor site of the intron after coding-DNA position 258, G replaced by T.
Molecular consequence: splice donor variant.
Genome position (GRCh38, 1-based): chr2:166,311,498, C>A on the plus strand (G>T on the coding strand, the complement: SCN9A is on the minus strand). VCF-style: chr2-166311498-C-A. GRCh37 (hg19) VCF-style: chr2-167168008-C-A.
Other names: c.258+1G>T (NM_002977.4).
Identifiers: ClinVar variation 3752053 (VCV003752053.2).